The following is an entry in ClinVar:

ClinVar aggregate classification (germline): Uncertain significance. Review status: criteria provided, multiple submitters, no conflicts (2 of 4 stars). 2 submissions from 2 submitters: Uncertain significance (2). Last evaluated 2022-06-07.

Conditions:
Inborn genetic diseases. Identifiers: MedGen C0950123, MeSH D030342.

Allele frequency attached by ClinVar (database versions not stated): ExAC 0.00012; 1000 Genomes Project 30x 0.00031; ESP Exome Variant Server 0.00031; 1000 Genomes Project 0.00040; TOPMed 0.00049.
gnomAD v4.1: 114 of 1,614,192 alleles (0.0071%); highest among the groups gnomAD compares: African/African-American, 0.13%; no homozygotes.

Submissions (2):

GeneDx
Classification: Uncertain significance. Last evaluated: 2022-06-07. Review status: criteria provided, single submitter. Criteria: GeneDx Variant Classification Process June 2021. Collection method: clinical testing. Allele origin: germline. Affected: yes.
Comment: In silico analysis supports that this missense variant does not alter protein structure/function; Has not been previously published as pathogenic or benign to our knowledge

Ambry Genetics
Classification: Uncertain significance for Inborn genetic diseases. Last evaluated: 2021-06-22. Review status: criteria provided, single submitter. Criteria: Ambry Variant Classification Scheme 2023. Collection method: clinical testing. Allele origin: germline.

NM_001321120.2(TBX4):c.862C>G (p.Pro288Ala)

Gene: TBX4 (T-box transcription factor 4; plus strand). Cytogenetic location: 17q23.2.
Variant type: single nucleotide variant.
Coding change: c.862C>G on transcript NM_001321120.2 (MANE Select); coding-DNA position 862, C replaced by G.
Protein change: p.Pro288Ala; replaces proline 288 with alanine.
Molecular consequence: missense variant.
Genome position (GRCh38, 1-based): chr17:61,480,160, C>G. VCF-style: chr17-61480160-C-G. GRCh37 (hg19) VCF-style: chr17-59557521-C-G.
Other names: c.862C>G, p.Pro288Ala (NM_018488.3); short protein forms P288A.
Identifiers: ClinVar variation 1803454 (VCV001803454.4), dbSNP rs193204039, ClinGen allele CA8689954.